The following is an entry in ClinVar:

NM_000051.4(ATM):c.4145C>A (p.Pro1382Gln)

Gene: ATM (ATM serine/threonine kinase; plus strand). Cytogenetic location: 11q22.3.
Variant type: single nucleotide variant.
Coding change: c.4145C>A on transcript NM_000051.4 (MANE Select); coding-DNA position 4145, C replaced by A.
Protein change: p.Pro1382Gln; replaces proline 1382 with glutamine.
Molecular consequence: missense variant.
Genome position (GRCh38, 1-based): chr11:108,289,012, C>A. VCF-style: chr11-108289012-C-A. GRCh37 (hg19) VCF-style: chr11-108159739-C-A.
Other names: c.4145C>A, p.Pro1382Gln (NM_001351834.2); short protein forms P1382Q.
Identifiers: ClinVar variation 3720454 (VCV003720454.2).

ClinVar aggregate classification (germline): Uncertain significance (1 of 4 stars; one submission).

Conditions:
Ataxia-telangiectasia syndrome (AT). Also called: ATAXIA-TELANGIECTASIA, COMPLEMENTATION GROUP A; ATAXIA-TELANGIECTASIA, FRESNO VARIANT; Ataxia-telangiectasia; Ataxia-telangiectasia, complementation group E; Ataxia telangiectasia (A-T); LOUIS-BAR SYNDROME. Identifiers: Orphanet 100, MedGen C0004135, MONDO:0008840, OMIM 208900.

Submission:

Labcorp Genetics (formerly Invitae), Labcorp
Classification: Uncertain significance for Ataxia-telangiectasia syndrome. Last evaluated: 2025-01-28. Review status: criteria provided, single submitter. Criteria: Invitae Variant Classification Sherloc (09022015). Collection method: clinical testing. Allele origin: germline.
Comment: This sequence change replaces proline, which is neutral and non-polar, with glutamine, which is neutral and polar, at codon 1382 of the ATM protein (p.Pro1382Gln). This variant is not present in population databases (gnomAD no frequency). This variant has not been reported in the literature in individuals affected with ATM-related conditions. Invitae Evidence Modeling of protein sequence and biophysical properties (such as structural, functional, and spatial information, amino acid conservation, physicochemical variation, residue mobility, and thermodynamic stability) indicates that this missense variant is not expected to disrupt ATM protein function with a negative predictive value of 95%. In summary, the available evidence is currently insufficient to determine the role of this variant in disease. Therefore, it has been classified as a Variant of Uncertain Significance.